The following is an entry in ClinVar:

NM_005529.7(HSPG2):c.12884G>A (p.Arg4295Gln)

Genes: LDLRAD2 (low density lipoprotein receptor class A domain containing 2; plus strand), HSPG2 (heparan sulfate proteoglycan 2; minus strand). Cytogenetic location: 1p36.12.
Variant type: single nucleotide variant.
Coding change: c.12884G>A on transcript NM_005529.7 (MANE Select); coding-DNA position 12884, G replaced by A.
Protein change: p.Arg4295Gln; replaces arginine 4295 with glutamine.
Molecular consequence: missense variant. On other transcripts: 3 prime UTR variant (1).
Genome position (GRCh38, 1-based): chr1:21,824,136, C>T on the plus strand (G>A on the coding strand, the complement: HSPG2 is on the minus strand). VCF-style: chr1-21824136-C-T. GRCh37 (hg19) VCF-style: chr1-22150629-C-T.
Other names: c.12887G>A, p.Arg4296Gln (NM_001291860.2); c.*1921C>T (NM_001013693.3); short protein forms R4296Q, R4295Q.
Identifiers: ClinVar variation 788284 (VCV000788284.18), dbSNP rs537908254, ClinGen allele CA669251.

ClinVar aggregate classification (germline): Conflicting classifications of pathogenicity. Review status: criteria provided, conflicting classifications (1 of 4 stars). 7 submissions from 6 submitters: Uncertain significance (3); Likely benign (4). Last evaluated 2026-01-26.

Conditions:
Inborn genetic diseases. Identifiers: MedGen C0950123, MeSH D030342.
Lethal Kniest-like syndrome (DDSH). Also called: Dyssegmental Dysplasia. Identifiers: Orphanet 1865, MedGen C1857100, MONDO:0009140, OMIM 224410.
Schwartz-Jampel syndrome. Also called: Myotonic myopathy dwarfism chondrodystrophy and ocular and facial abnormalities. Identifiers: Orphanet 800, MedGen C0036391, MONDO:0009717.

Allele frequency attached by ClinVar (database versions not stated): gnomAD 0.00012 and 0.00013; 1000 Genomes Project 30x 0.00016; gnomAD exomes 0.00017 and 0.00063; 1000 Genomes Project 0.00020; TOPMed 0.00025; ExAC 0.00050.
gnomAD v4.1: 272 of 1,613,324 alleles (0.017%); highest among the groups gnomAD compares: Admixed American, 0.26%; no homozygotes.

Submissions (7):

Labcorp Genetics (formerly Invitae), Labcorp
Classification: Likely benign. Last evaluated: 2026-01-26. Review status: criteria provided, single submitter. Criteria: Invitae Variant Classification Sherloc (09022015). Collection method: clinical testing. Allele origin: germline.

ARUP Laboratories, Molecular Genetics and Genomics, ARUP Laboratories
Classification: Uncertain significance. Last evaluated: 2023-11-22. Review status: criteria provided, single submitter. Criteria: ARUP Molecular Germline Variant Investigation Process 2024. Collection method: clinical testing. Allele origin: germline.

Ambry Genetics
Classification: Likely benign for Inborn genetic diseases. Last evaluated: 2021-09-01. Review status: criteria provided, single submitter. Criteria: Ambry Variant Classification Scheme 2023. Collection method: clinical testing. Allele origin: germline.

Revvity Omics, Revvity
Classification: Uncertain significance. Last evaluated: 2019-11-26. Review status: criteria provided, single submitter. Criteria: ACMG Guidelines, 2015. Collection method: clinical testing. Allele origin: germline.

Baylor Genetics
Classification: Uncertain significance for Lethal Kniest-like syndrome. Last evaluated: 2018-08-16. Review status: criteria provided, single submitter. Criteria: ACMG Guidelines, 2015. Collection method: clinical testing. Allele origin: maternal. Affected: yes.
Comment: This variant was determined to be of uncertain significance according to ACMG Guidelines, 2015 [PMID:25741868].

Illumina Laboratory Services, Illumina
Classification: Likely benign for Schwartz-Jampel syndrome type 1. Last evaluated: 2018-01-13. Review status: criteria provided, single submitter. Criteria: ICSL Variant Classification Criteria 13 December 2019. Collection method: clinical testing. Allele origin: germline.
Comment: This variant was observed in the ICSL laboratory as part of a predisposition screen in an ostensibly healthy population. It had not been previously curated by ICSL or reported in the Human Gene Mutation Database (HGMD: prior to June 1st, 2018), and was therefore a candidate for classification through an automated scoring system. Utilizing variant allele frequency, disease prevalence and penetrance estimates, and inheritance mode, an automated score was calculated to assess if this variant is too frequent to cause the disease. Based on the score and internal cut-off values, a variant classified as likely benign is not then subjected to further curation. The score for this variant resulted in a classification of likely benign for this disease.

Illumina Laboratory Services, Illumina
Classification: Likely benign for Lethal Kniest-like syndrome. Last evaluated: 2018-01-13. Review status: criteria provided, single submitter. Criteria: ICSL Variant Classification Criteria 13 December 2019. Collection method: clinical testing. Allele origin: germline.
Comment: the same text as in the submission from Illumina Laboratory Services, Illumina above.